The following is an entry in ClinVar:

NM_005219.5(DIAPH1):c.991C>T (p.Arg331Ter)

Gene: DIAPH1 (diaphanous related formin 1; minus strand). Cytogenetic location: 5q31.3.
Variant type: single nucleotide variant.
Coding change: c.991C>T on transcript NM_005219.5 (MANE Select); coding-DNA position 991, C replaced by T.
Protein change: p.Arg331Ter; replaces arginine 331 with a stop codon.
Molecular consequence: nonsense.
Genome position (GRCh38, 1-based): chr5:141,578,568, G>A on the plus strand (C>T on the coding strand, the complement: DIAPH1 is on the minus strand). VCF-style: chr5-141578568-G-A. GRCh37 (hg19) VCF-style: chr5-140958135-G-A.
Other names: c.991C>T (NM_005219.4); c.964C>T, p.Arg322Ter (NM_001079812.3); c.991C>T, p.Arg331Ter (NM_001314007.2); short protein forms R322*, R331*.
Identifiers: ClinVar variation 3748740 (VCV003748740.3).

ClinVar aggregate classification (germline): Pathogenic. Review status: criteria provided, multiple submitters, no conflicts (2 of 4 stars). 2 submissions from 2 submitters: Pathogenic (2). Last evaluated 2024-08-18.

Conditions:
Progressive microcephaly-seizures-cortical blindness-developmental delay syndrome. Also called: Seizures, cortical blindness, and microcephaly syndrome. Identifiers: Orphanet 477814, MedGen C5567650, MONDO:0014714, OMIM 616632.
Autosomal dominant nonsyndromic hearing loss 1. Also called: KONIGSMARK SYNDROME; DEAFNESS, AUTOSOMAL DOMINANT 1, WITH OR WITHOUT THROMBOCYTOPENIA. Identifiers: Orphanet 90635, MedGen C1852282, MONDO:0007424, OMIM 124900.

gnomAD v4.1: 5 of 1,613,772 alleles (0.00031%); highest among the groups gnomAD compares: Admixed American, 0.0017%; no homozygotes.

Submissions (2):

GeneDx
Classification: Pathogenic. Last evaluated: 2024-08-18. Review status: criteria provided, single submitter. Criteria: GeneDx Variant Classification Process June 2021. Collection method: clinical testing. Allele origin: germline. Affected: yes.
Comment: Nonsense variant predicted to result in protein truncation or nonsense mediated decay in a gene for which loss of function is a known mechanism of disease; Not observed at significant frequency in large population cohorts (gnomAD); This variant is associated with the following publications: (PMID: 39120629)

Labcorp Genetics (formerly Invitae), Labcorp
Classification: Pathogenic for Progressive microcephaly-seizures-cortical blindness-developmental delay syndrome; Autosomal dominant nonsyndromic hearing loss 1. Last evaluated: 2024-05-10. Review status: criteria provided, single submitter. Criteria: Invitae Variant Classification Sherloc (09022015). Collection method: clinical testing. Allele origin: germline.
Comment: This sequence change creates a premature translational stop signal (p.Arg331*) in the DIAPH1 gene. It is expected to result in an absent or disrupted protein product. Loss-of-function variants in DIAPH1 are known to be pathogenic (PMID: 24781755, 26463574). This variant is present in population databases (rs777873912, gnomAD 0.0009%). This variant has not been reported in the literature in individuals affected with DIAPH1-related conditions. For these reasons, this variant has been classified as Pathogenic.

Literature cited by the submitters: PubMed 24781755 (cited by Labcorp Genetics (formerly Invitae), Labcorp); PubMed 26463574 (cited by Labcorp Genetics (formerly Invitae), Labcorp).